The following is an entry in ClinVar:

ClinVar aggregate classification (germline): Likely benign (1 of 4 stars; one submission).

Submission:

GeneDx
Classification: Likely benign. Last evaluated: 2020-12-03. Review status: criteria provided, single submitter. Criteria: GeneDx Variant Classification Process June 2021. Collection method: clinical testing. Allele origin: germline. Affected: yes.
Comment: See Variant Classification Assertion Criteria.

NM_001004127.3(ALG11):c.1208-213dup

Genes: ALG11 (ALG11 alpha-1,2-mannosyltransferase; plus strand), UTP14C (UTP14C small subunit processome component; plus strand). Cytogenetic location: 13q14.3.
Variant type: Duplication.
Coding change: c.1208-213dup on transcript NM_001004127.3 (MANE Select); 213 bases into the intron before coding-DNA position 1208, one base duplicated (A; older notation c.1208-213dupA).
Molecular consequence: intron variant.
Genome position (GRCh38, 1-based): chr13:52,028,106, A duplicated; the last of 12 consecutive A bases (chr13:52,028,095-52,028,106); duplicating any one gives the same sequence. VCF-style (leftmost placement, unchanged base first): chr13-52028094-T-TA. GRCh37 (hg19) VCF-style: chr13-52602230-T-TA.
Other names: c.-486-213dup (NM_021645.6).
Identifiers: ClinVar variation 1707147 (VCV001707147.2), dbSNP rs142915895, ClinGen allele CA388022724.